The following is an entry in ClinVar:

NM_001374385.1(ATP8B1):c.3722del (p.Gly1241fs)

Genes: ATP8B1 (ATPase phospholipid transporting 8B1; minus strand), ATP8B1-AS1 (ATP8B1 antisense RNA 1; plus strand). Cytogenetic location: 18q21.31.
Variant type: Deletion.
Coding change: c.3722del on transcript NM_001374385.1 (MANE Select); coding-DNA position 3722, one base deleted (G; older notation c.3722delG).
Protein change: p.Gly1241fs; shifts the reading frame from glycine 1241.
Molecular consequence: frameshift variant.
Genome position (GRCh38, 1-based): chr18:57,648,522, C deleted on the plus strand (G on the coding strand, the reverse complement: ATP8B1 is on the minus strand); the first of 2 consecutive C bases (chr18:57,648,522-57,648,523); deleting either gives the same sequence. VCF-style (leftmost placement, unchanged base first): chr18-57648521-GC-G. GRCh37 (hg19) VCF-style: chr18-55315753-GC-G.
Other names: c.3572del, p.Gly1191fs (NM_001374386.1); c.3722del, p.Gly1241fs (NM_005603.6); short protein forms G1191fs, G1241fs.
Identifiers: ClinVar variation 2687833 (VCV002687833.2), dbSNP rs747335870, ClinGen allele CA8973925.

ClinVar aggregate classification (germline): Conflicting classifications of pathogenicity. Review status: criteria provided, conflicting classifications (1 of 4 stars). 2 submissions from 2 submitters: Pathogenic (1); Uncertain significance (1). Last evaluated 2026-04-14.

Conditions:
Progressive familial intrahepatic cholestasis type 1. Also called: BYLER DISEASE; Severe ATP8B1 Deficiency (Progressive Familial Intrahepatic Cholestasis Type 1 [PFIC1]); Byler's disease. Identifiers: Orphanet 79306, MedGen C4551898, MONDO:0008892, OMIM 211600.
Familial intrahepatic cholestasis. Identifiers: Orphanet 284385, MedGen CN296401, MONDO:0017290.

Submissions (2):

Genomenon, Inc
Classification: Uncertain significance for Familial intrahepatic cholestasis. Last evaluated: 2026-04-14. Review status: criteria provided, single submitter. Criteria: Genomenon Sequence Variant Interpretation Standards - Updated. Collection method: curation. Allele origin: germline. Affected: yes.
Comment: ATP8B1 p.Gly1241AlafsTer48 (c.3722del) is a frameshift variant that results in the production of an extended protein product. This variant has been observed in at least one proband with features of ATP8B1-deficiency (PMID:15239083). It is absent or not present at a significant frequency in gnomAD. In conclusion, we classify ATP8B1 p.Gly1241AlafsTer48 (c.3722del) as a variant of uncertain significance.

Rolfs Rare Disease Consulting, Rolfs Consulting Und Verwaltungs GmbH
Classification: Pathogenic for Progressive familial intrahepatic cholestasis type 1. Last evaluated: 2019-01-01. Review status: criteria provided, single submitter. Criteria: ACMG Guidelines, 2015. Collection method: clinical testing. Allele origin: germline. Affected: yes.

Literature cited by the submitters: PubMed 15239083 (cited by Genomenon, Inc).